The following is an entry in ClinVar:

NM_000238.4(KCNH2):c.1284G>C (p.Ser428=)

Gene: KCNH2 (potassium voltage-gated channel subfamily H member 2; minus strand). Cytogenetic location: 7q36.1.
Variant type: single nucleotide variant.
Coding change: c.1284G>C on transcript NM_000238.4 (MANE Select); coding-DNA position 1284, G replaced by C.
Protein change: p.Ser428=; no amino-acid change (serine 428 retained).
Molecular consequence: synonymous variant. On other transcripts: non-coding transcript variant (2).
Genome position (GRCh38, 1-based): chr7:150,952,698, C>G on the plus strand (G>C on the coding strand, the complement: KCNH2 is on the minus strand). VCF-style: chr7-150952698-C-G. GRCh37 (hg19) VCF-style: chr7-150649786-C-G.
Other names: c.264G>C, p.Ser88= (NM_001204798.2, NM_172057.3); c.996G>C, p.Ser332= (NM_001406753.1, NM_001406756.1); c.1107G>C, p.Ser369= (NM_001406755.1); c.984G>C, p.Ser328= (NM_001406757.1); c.1284G>C, p.Ser428= (NM_172056.3).
Identifiers: ClinVar variation 3073390 (VCV003073390.1), dbSNP rs371864051, ClinGen allele CA458645680.

ClinVar aggregate classification (germline): Likely benign (1 of 4 stars; one submission).

Conditions:
Long QT syndrome (LQTS). Identifiers: MedGen C0023976, MeSH D008133, MONDO:0002442. Disease mechanism: loss of function. Inheritance: Various modes of inheritance.

gnomAD v4.1: 1 of 1,614,070 alleles (0.000062%); highest among the groups gnomAD compares: Non-Finnish European, 0.000085%; no homozygotes.

Submission:

All of Us Research Program, National Institutes of Health
Classification: Likely benign for Long QT syndrome. Last evaluated: 2023-09-17. Review status: criteria provided, single submitter. Criteria: ACMG Guidelines, 2015. Collection method: clinical testing. Allele origin: germline. Inheritance: Autosomal dominant inheritance. Observed: 1 variant allele, 1 heterozygote.
Comment: This study involves interpretation of variants in research participants for the purpose of population health screening. Participant phenotype was not available at the time of variant classification. Additional details can be found in publication PMID: 35346344, PMCID: PMC8962531